The following is an entry in ClinVar:

NM_000202.8(IDS):c.1148del (p.Pro383fs)

Genes: IDS (iduronate 2-sulfatase; minus strand), LOC106050102 (IDS recombination region; plus strand). Cytogenetic location: Xq28.
Variant type: Deletion.
Coding change: c.1148del on transcript NM_000202.8 (MANE Select); coding-DNA position 1148, one base deleted (C; older notation c.1148delC).
Protein change: p.Pro383fs; shifts the reading frame from proline 383.
Molecular consequence: frameshift variant.
Genome position (GRCh38, 1-based): chrX:149,486,957, G deleted on the plus strand (C on the coding strand, the reverse complement: IDS is on the minus strand); the first of 3 consecutive G bases (chrX:149,486,957-149,486,959); deleting any one gives the same sequence. VCF-style (leftmost placement, unchanged base first): chrX-149486956-AG-A. GRCh37 (hg19) VCF-style: chrX-148568487-AG-A.
Other names: c.878del, p.Pro293fs (NM_001166550.4); short protein forms P293fs, P383fs.
Identifiers: ClinVar variation 167188 (VCV000167188.7), dbSNP rs797044502, ClinGen allele CA234126.

ClinVar aggregate classification (germline): Pathogenic/Likely pathogenic. Review status: criteria provided, multiple submitters, no conflicts (2 of 4 stars). 2 submissions from 2 submitters: Pathogenic (1); Likely pathogenic (1). Last evaluated 2024-06-07.

Conditions:
Mucopolysaccharidosis, MPS-II (MPS2). Also called: Mucopolysaccharidosis type 2; Mucopolysaccharidosis with skin involvement; Attenuated MPS (subtype; formerly known as mild MPS II); Severe MPS II; I2S deficiency; MPS 2. Identifiers: Orphanet 580, Orphanet 79388, MedGen C0026705, MONDO:0010674, OMIM 309900.

Submissions (2):

Laboratory of Diagnosis and Therapy of Lysosomal Disorders, University of Padova
Classification: Likely pathogenic for Mucopolysaccharidosis, MPS-II. Last evaluated: 2024-06-07. Review status: criteria provided, single submitter. Criteria: ACMG Guidelines, 2015. Collection method: literature only. Allele origin: germline. Affected: yes. Observed: 2 variant alleles.
Comment: Null variant (PVS1_Strong), Absent from controls (or at low frequency) in gnomAD database (PM2_Moderate), Patient’s phenotype or family history highly specific for the disease (PP4_Moderate)

Classification method: ACMG Guidelines [PMID:25741868] with modifications

Eurofins Ntd Llc (ga)
Classification: Pathogenic. Last evaluated: 2013-12-09. Review status: criteria provided, single submitter. Criteria: EGL Classification Definitions. Collection method: clinical testing. Allele origin: germline. Observed: 3 variant alleles, 2 heterozygotes, 1 homozygote.

Literature cited by the submitters: PubMed 9950361 (cited by Laboratory of Diagnosis and Therapy of Lysosomal Disorders, University of Padova); PubMed 9442913 (cited by Laboratory of Diagnosis and Therapy of Lysosomal Disorders, University of Padova).